The following is an entry in ClinVar:

NM_004168.4(SDHA):c.205G>A (p.Ala69Thr)

Gene: SDHA (succinate dehydrogenase complex flavoprotein subunit A; plus strand). Cytogenetic location: 5p15.33.
Variant type: single nucleotide variant.
Coding change: c.205G>A on transcript NM_004168.4 (MANE Select); coding-DNA position 205, G replaced by A.
Protein change: p.Ala69Thr; replaces alanine 69 with threonine.
Molecular consequence: missense variant.
Genome position (GRCh38, 1-based): chr5:224,414, G>A. VCF-style: chr5-224414-G-A. GRCh37 (hg19) VCF-style: chr5-224529-G-A.
Other names: c.205G>A, p.Ala69Thr (NM_001294332.2, NM_001330758.2); short protein forms A69T.
Identifiers: ClinVar variation 239662 (VCV000239662.22), dbSNP rs370481102, ClinGen allele CA3172750.

ClinVar aggregate classification (germline): Uncertain significance. Review status: criteria provided, multiple submitters, no conflicts (2 of 4 stars). 8 submissions from 8 submitters: Uncertain significance (8). Last evaluated 2026-05-18.

Conditions:
SDHA-related disorder. Also called: SDHA-related disorders; SDHA-related condition.
Pheochromocytoma/paraganglioma syndrome 5. Also called: Paragangliomas 5; SDHA-Related Hereditary Paraganglioma-Pheochromocytoma Syndrome. Identifiers: Orphanet 29072, MedGen C3279992, MONDO:0013602, OMIM 614165.
Mitochondrial complex II deficiency, nuclear type 1. Also called: SUCCINATE CoQ REDUCTASE DEFICIENCY. Identifiers: Orphanet 3208, MedGen C5700310, MONDO:0100294, OMIM 252011.
Hereditary cancer-predisposing syndrome. Also called: Neoplastic Syndromes, Hereditary; Hereditary neoplastic syndrome; Hereditary Cancer Syndrome; Tumor predisposition. Identifiers: Orphanet 140162, MedGen C0027672, MeSH D009386, MONDO:0015356.
Dilated cardiomyopathy 1GG (CMD1GG). Identifiers: Orphanet 154, MedGen C3150898, MONDO:0013339, OMIM 613642.

Allele frequency attached by ClinVar (database versions not stated): 1000 Genomes Project 30x 0.00016; ExAC 0.00003; gnomAD exomes 0.00003; ESP Exome Variant Server 0.00008; TOPMed 0.00008; gnomAD 0.00011 and 0.00012.
gnomAD v4.1: 44 of 1,613,692 alleles (0.0027%); highest among the groups gnomAD compares: African/African-American, 0.021%; no homozygotes.

Submissions (8):

PreventionGenetics, part of Exact Sciences
Classification: Uncertain significance for SDHA-related condition. Last evaluated: 2026-05-18. Review status: criteria provided, single submitter. Criteria: ACMG Guidelines, 2015. Collection method: clinical testing. Allele origin: germline.
Comment: The SDHA c.205G>A variant is predicted to result in the amino acid substitution p.Ala69Thr. This variant has been observed in an individual with liposarcoma (Table S5, Carvalho et al. 2023. PubMed ID: 37536918) and in an individual with SDHA-related myopathy (Table S6, Ganapathy et al. 2019. PubMed ID: 31069529). This variant is reported in 0.024% of alleles in individuals of African descent in gnomAD and is interpreted as uncertain in ClinVar (Variation ID: 239662). At this time, the clinical significance of this variant is uncertain due to the absence of conclusive functional and genetic evidence.

Labcorp Genetics (formerly Invitae), Labcorp
Classification: Uncertain significance for Pheochromocytoma/paraganglioma syndrome 5; Mitochondrial complex II deficiency, nuclear type 1. Last evaluated: 2026-01-13. Review status: criteria provided, single submitter. Criteria: Invitae Variant Classification Sherloc (09022015). Collection method: clinical testing. Allele origin: germline.
Comment: This sequence change replaces alanine, which is neutral and non-polar, with threonine, which is neutral and polar, at codon 69 of the SDHA protein (p.Ala69Thr). This variant is present in population databases (rs370481102, gnomAD 0.02%). This variant has not been reported in the literature in individuals affected with SDHA-related conditions. ClinVar contains an entry for this variant (Variation ID: 239662). Invitae Evidence Modeling of protein sequence and biophysical properties (such as structural, functional, and spatial information, amino acid conservation, physicochemical variation, residue mobility, and thermodynamic stability) has been performed for this missense variant. However, the output from this modeling did not meet the statistical confidence thresholds required to predict the impact of this variant on SDHA protein function. In summary, the available evidence is currently insufficient to determine the role of this variant in disease. Therefore, it has been classified as a Variant of Uncertain Significance.

Ambry Genetics
Classification: Uncertain significance for Hereditary cancer-predisposing syndrome. Last evaluated: 2025-02-21. Review status: criteria provided, single submitter. Criteria: Ambry Variant Classification Scheme 2023. Collection method: clinical testing. Allele origin: germline.
Comment: The p.A69T variant (also known as c.205G>A), located in coding exon 3 of the SDHA gene, results from a G to A substitution at nucleotide position 205. The alanine at codon 69 is replaced by threonine, an amino acid with similar properties. This amino acid position is highly conserved in available vertebrate species. In addition, this alteration is predicted to be deleterious by in silico analysis. Based on the available evidence, the clinical significance of this variant remains unclear.

Quest Diagnostics Nichols Institute San Juan Capistrano
Classification: Uncertain significance. Last evaluated: 2024-04-09. Review status: criteria provided, single submitter. Criteria: Quest Diagnostics criteria. Collection method: clinical testing. Allele origin: unknown.
Comment: The SDHA c.205G>A (p.Ala69Thr) variant has been reported in the published literature in individuals affected with liposarcoma (PMID: 37536918 (2023)), myopathy (PMID: 31069529 (2019)), and in individuals without personal/family history of cancer (PMID: 38473309 (2024)). The frequency of this variant in the general population, 0.00024 (6/24962 chromosomes in African/African American subpopulation (Genome Aggregation Database)), is higher than would generally be expected for pathogenic variants in this gene. Analysis of this variant using bioinformatics tools for the prediction of the effect of amino acid changes on protein structure and function yielded predictions that this variant is damaging. Based on the available information, we are unable to determine the clinical significance of this variant.

Baylor Genetics
Classification: Uncertain significance for Dilated cardiomyopathy 1GG. Last evaluated: 2024-02-11. Review status: criteria provided, single submitter. Criteria: ACMG Guidelines, 2015. Collection method: clinical testing. Allele origin: unknown.

Women's Health and Genetics/Laboratory Corporation of America, LabCorp
Classification: Uncertain significance. Last evaluated: 2024-01-31. Review status: criteria provided, single submitter. Criteria: LabCorp Variant Classification Summary - May 2015. Collection method: clinical testing. Allele origin: germline.
Comment: Variant summary: SDHA c.205G>A (p.Ala69Thr) results in a non-conservative amino acid change in the encoded protein sequence. Five of five in-silico tools predict a damaging effect of the variant on protein function. The variant allele was found at a frequency of 3.2e-05 in 251178 control chromosomes (gnomAD). The available data on variant occurrences in the general population are insufficient to allow any conclusion about variant significance. To our knowledge, no occurrence of c.205G>A in individuals affected with Neurodegeneration With Ataxia And Late-Onset Optic Atrophy and no experimental evidence demonstrating its impact on protein function have been reported. ClinVar contains an entry for this variant (Variation ID: 239662). Based on the evidence outlined above, the variant was classified as uncertain significance.

GeneDx
Classification: Uncertain significance. Last evaluated: 2023-09-06. Review status: criteria provided, single submitter. Criteria: GeneDx Variant Classification Process June 2021. Collection method: clinical testing. Allele origin: germline. Affected: yes.
Comment: In silico analysis supports that this missense variant has a deleterious effect on protein structure/function; Identified in an individual with myopathy who also harbored a second SDHA missense variant (Ganapathy et al., 2019); This variant is associated with the following publications: (PMID: 31069529, 29420653)

Revvity Omics, Revvity
Classification: Uncertain significance. Last evaluated: 2021-09-03. Review status: criteria provided, single submitter. Criteria: ACMG Guidelines, 2015. Collection method: clinical testing. Allele origin: germline.

Literature cited by the submitters: PubMed 31069529 (cited by Quest Diagnostics Nichols Institute San Juan Capistrano); PubMed 35626111 (cited by Quest Diagnostics Nichols Institute San Juan Capistrano); PubMed 38473309 (cited by Quest Diagnostics Nichols Institute San Juan Capistrano); PubMed 37536918 (cited by Quest Diagnostics Nichols Institute San Juan Capistrano).